The following is an entry in ClinVar:

NM_004168.4(SDHA):c.306A>G (p.Ala102=)

Gene: SDHA (succinate dehydrogenase complex flavoprotein subunit A; plus strand). Cytogenetic location: 5p15.33.
Variant type: single nucleotide variant.
Coding change: c.306A>G on transcript NM_004168.4 (MANE Select); coding-DNA position 306, A replaced by G.
Protein change: p.Ala102=; no amino-acid change (alanine 102 retained).
Molecular consequence: synonymous variant.
Genome position (GRCh38, 1-based): chr5:224,515, A>G. VCF-style: chr5-224515-A-G. GRCh37 (hg19) VCF-style: chr5-224630-A-G.
Other names: c.306A>G, p.Ala102= (NM_001294332.2, NM_001330758.2).
Identifiers: ClinVar variation 1079260 (VCV001079260.12), dbSNP rs2126543388, ClinGen allele CA442690937.
Genomic context (GRCh38, chr5:224,515, plus strand): 5'-GGCAGGGTTTAATACAGCATGTGTTACCAAGCTGTTTCCTACCAGGTCACACACTGTTGC[A>G]GCACAGGTAAGAGAAAGGTGCCCCACTGTGCTCCCACTCCGTGCAGGTCCCGCGCAGCCT-3'
Protein context (NP_004159.2, residues 92-112): KLFPTRSHTV[Ala102=]AQGGINAALG

ClinVar aggregate classification (germline): Benign/Likely benign. Review status: criteria provided, multiple submitters, no conflicts (2 of 4 stars). 3 submissions from 3 submitters: Benign (1); Likely benign (2). Last evaluated 2025-12-05.

Conditions:
Hereditary cancer-predisposing syndrome. Also called: Tumor predisposition; Hereditary neoplastic syndrome; Neoplastic Syndromes, Hereditary; Hereditary Cancer Syndrome. Identifiers: Orphanet 140162, MedGen C0027672, MeSH D009386, MONDO:0015356.
Mitochondrial complex II deficiency, nuclear type 1. Also called: SUCCINATE CoQ REDUCTASE DEFICIENCY. Identifiers: Orphanet 3208, MedGen C5700310, MONDO:0100294, OMIM 252011.
Pheochromocytoma/paraganglioma syndrome 5. Also called: Paragangliomas 5; SDHA-Related Hereditary Paraganglioma-Pheochromocytoma Syndrome. Identifiers: Orphanet 29072, MedGen C3279992, MONDO:0013602, OMIM 614165.

Submissions (3):

Labcorp Genetics (formerly Invitae), Labcorp
Classification: Likely benign for Pheochromocytoma/paraganglioma syndrome 5; Mitochondrial complex II deficiency, nuclear type 1. Last evaluated: 2025-12-05. Review status: criteria provided, single submitter. Criteria: Invitae Variant Classification Sherloc (09022015). Collection method: clinical testing. Allele origin: germline.

Myriad Genetics, Inc.
Classification: Benign for Pheochromocytoma/paraganglioma syndrome 5. Last evaluated: 2025-02-28. Review status: criteria provided, single submitter. Criteria: Myriad Autosomal Dominant, Autosomal Recessive and X-Linked Classification Criteria (2023). Collection method: clinical testing. Allele origin: unknown.
Comment: This variant is considered benign. This variant is a silent/synonymous amino acid change and it is not expected to impact splicing.

Ambry Genetics
Classification: Likely benign for Hereditary cancer-predisposing syndrome. Last evaluated: 2021-10-22. Review status: criteria provided, single submitter. Criteria: Ambry Variant Classification Scheme 2023. Collection method: clinical testing. Allele origin: germline.